The following is an entry in ClinVar:

NM_001142966.3(GREB1L):c.2324_2327del (p.Phe775fs)

Gene: GREB1L (GREB1 like retinoic acid receptor coactivator; plus strand). Cytogenetic location: 18q11.1.
Variant type: Deletion.
Coding change: c.2324_2327del on transcript NM_001142966.3 (MANE Select); coding-DNA positions 2324 to 2327, 4 bases deleted (TTGT; older notation c.2324_2327delTTGT).
Protein change: p.Phe775fs; shifts the reading frame from phenylalanine 775.
Molecular consequence: frameshift variant.
Genome position (GRCh38, 1-based): chr18:21,473,172-21,473,175, TTGT deleted; deleting any 4 consecutive bases within chr18:21,473,169-21,473,175 gives the same sequence; the c. name uses the placement nearest the transcript's 3' end. VCF-style (leftmost placement, unchanged base first): chr18-21473168-CTGTT-C. GRCh37 (hg19) VCF-style: chr18-19053129-CTGTT-C.
Other names: c.2453_2456del, p.Phe818fs (NM_001410867.1); c.1997_2000del, p.Phe666fs (NM_001410868.1); short protein forms F666fs, F775fs, F818fs.
Identifiers: ClinVar variation 4850728 (VCV004850728.2).
Genomic context (GRCh38, chr18:21,473,168, plus strand): 5'-AATGAGATTCAAACCAAGTTTGAAGTTTTTATGAGGAGAGTGAAACAGAACCCGTACACA[CTGTT>C]TGTGCTAGTTCATGACAACTCCCATGTGGAACTAACGAGGTGATTGGTTCAGAGTGAGCA-3'

ClinVar aggregate classification (germline): Pathogenic/Likely pathogenic. Review status: criteria provided, multiple submitters, no conflicts (2 of 4 stars). 2 submissions from 2 submitters: Pathogenic (1); Likely pathogenic (1). Last evaluated 2025-06-09.

Conditions:
Renal hypodysplasia/aplasia 3 (RHDA3). Identifiers: MedGen C4540497, MONDO:0024520, OMIM 617805.
Mayer-Rokitansky-Kuster-Hauser syndrome (CAUV). Also called: Mayer-Rokitansky-Küster-Hauser syndrome; CONGENITAL ABSENCE OF UTERUS AND VAGINA; MULLERIAN APLASIA/DYSGENESIS; Rokitansky sequence. Identifiers: Orphanet 247775, Orphanet 3109, MedGen C0431648, MONDO:0017771.

Submissions (2):

Variantyx, Inc.
Classification: Likely pathogenic for Renal hypodysplasia/aplasia 3. Last evaluated: 2025-06-09. Review status: criteria provided, single submitter. Criteria: Variantyx Assertion Criteria 2022. Collection method: clinical testing. Allele origin: germline. Inheritance: Autosomal dominant inheritance. Affected: yes.
Comment: This is a frameshift variant in the GREB1L gene (OMIM: 617782). Pathogenic variants in this gene have been associated with autosomal dominant renal hypodysplasia/aplasia 3. This variant introduces a premature termination codon in exon 16 out of 33 and is expected to result in loss of function, which is a known disease mechanism for GREB1L in this disorder (PMID: 29100090, 29100091) (PVS1). This variant is absent from control populations (PM2). Based on the current evidence, this variant is classified as likely pathogenic for autosomal dominant renal hypodysplasia/aplasia 3.Inheritance from an unaffected or mildly affected parent has been reported, consistent with incomplete penetrance and variable expressivity (PMID: 29100091).

New York Genome Center
Classification: Pathogenic for Mayer-Rokitansky-Küster-Hauser syndrome. Last evaluated: 2023-05-01. Review status: criteria provided, single submitter. Criteria: NYGC Assertion Criteria 2020. Collection method: clinical testing. Allele origin: inherited. Affected: yes. Observed: 1 variant allele, 1 heterozygote.
Comment: The inherited heterozygous c.2324_2327del variant has not previously been reported in the literature or public variant repositories (ClinVar and LOVD) and is absent from population databases (gnomAD v2.1.1 and v3.1.2, TOPMed Freeze 8), suggesting it is not a common benign variant in the populations represented in those databases. The c.2324_2327del variant is located in exon 16 of this 33-exon gene, alters the wild-type translational reading frame, and is expected to result in loss-of-function via nonsense-mediated mRNA decay [p.(Phe775CysfsTer2)]. Based on available evidence, this inherited c.2324_2327del p.(Phe775CysfsTer2) variant identified in the GREB1L gene is classified as Pathogenic.

Literature cited by the submitters: PubMed 29100090 (cited by Variantyx, Inc.); PubMed 29100091 (cited by Variantyx, Inc.).